The following is an entry in ClinVar:

NM_006949.4(STXBP2):c.420C>T (p.Tyr140=)

Gene: STXBP2 (syntaxin binding protein 2; plus strand). Cytogenetic location: 19p13.2.
Variant type: single nucleotide variant.
Coding change: c.420C>T on transcript NM_006949.4 (MANE Select); coding-DNA position 420, C replaced by T.
Protein change: p.Tyr140=; no amino-acid change (tyrosine 140 retained).
Molecular consequence: synonymous variant. On other transcripts: non-coding transcript variant (1).
Genome position (GRCh38, 1-based): chr19:7,640,994, C>T. VCF-style: chr19-7640994-C-T. GRCh37 (hg19) VCF-style: chr19-7705880-C-T.
Other names: c.411C>T, p.Tyr137= (NM_001127396.3); c.453C>T, p.Tyr151= (NM_001272034.2).
Identifiers: ClinVar variation 729436 (VCV000729436.17), dbSNP rs373462454, ClinGen allele CA9143619.

ClinVar aggregate classification (germline): Benign/Likely benign. Review status: criteria provided, multiple submitters, no conflicts (2 of 4 stars). 3 submissions from 3 submitters: Benign (2); Likely benign (1). Last evaluated 2026-01-13.

Conditions:
Familial hemophagocytic lymphohistiocytosis 5. Also called: STXBP2-Related Familial Hemophagocytic Lymphohistiocytosis (STXBP2-fHLH). Identifiers: Orphanet 540, MedGen C2751293, MONDO:0013135, OMIM 613101.
Autoinflammatory syndrome. Identifiers: Orphanet 93665, MedGen C3890737, MONDO:0019751.

Allele frequency attached by ClinVar (database versions not stated): gnomAD 0.00001 and 0.00017; TOPMed 0.00004; gnomAD exomes 0.00042 and 0.00088; 1000 Genomes Project 30x 0.00078; 1000 Genomes Project 0.00080; ExAC 0.00095.
gnomAD v4.1: 644 of 1,614,158 alleles (0.04%); highest among the groups gnomAD compares: South Asian, 0.62%; 15 homozygotes.

Submissions (3):

Labcorp Genetics (formerly Invitae), Labcorp
Classification: Benign for Familial hemophagocytic lymphohistiocytosis 5. Last evaluated: 2026-01-13. Review status: criteria provided, single submitter. Criteria: Invitae Variant Classification Sherloc (09022015). Collection method: clinical testing. Allele origin: germline.

Genome Diagnostics Laboratory, The Hospital for Sick Children
Classification: Benign for Autoinflammatory syndrome. Last evaluated: 2021-05-12. Review status: criteria provided, single submitter. Criteria: ACMG Guidelines, 2015. Collection method: clinical testing. Allele origin: germline. Affected: yes.

Illumina Laboratory Services, Illumina
Classification: Likely benign for Familial hemophagocytic lymphohistiocytosis 5. Last evaluated: 2018-01-13. Review status: criteria provided, single submitter. Criteria: ICSL Variant Classification Criteria 13 December 2019. Collection method: clinical testing. Allele origin: germline.
Comment: This variant was observed in the ICSL laboratory as part of a predisposition screen in an ostensibly healthy population. It had not been previously curated by ICSL or reported in the Human Gene Mutation Database (HGMD: prior to June 1st, 2018), and was therefore a candidate for classification through an automated scoring system. Utilizing variant allele frequency, disease prevalence and penetrance estimates, and inheritance mode, an automated score was calculated to assess if this variant is too frequent to cause the disease. Based on the score and internal cut-off values, a variant classified as likely benign is not then subjected to further curation. The score for this variant resulted in a classification of likely benign for this disease.